The following is an entry in ClinVar:

ClinVar aggregate classification (germline): Uncertain significance (1 of 4 stars; one submission).

Allele frequency attached by ClinVar (database versions not stated): gnomAD 0.00005; TOPMed 0.00008.
gnomAD v4.1: 126 of 1,599,732 alleles (0.0079%); highest among the groups gnomAD compares: African/African-American, 0.013%; 1 homozygote.

Submission:

Labcorp Genetics (formerly Invitae), Labcorp
Classification: Uncertain significance. Last evaluated: 2022-08-08. Review status: criteria provided, single submitter. Criteria: Invitae Variant Classification Sherloc (09022015). Collection method: clinical testing. Allele origin: germline.
Comment: This sequence change replaces asparagine, which is neutral and polar, with serine, which is neutral and polar, at codon 65 of the CEP78 protein (p.Asn65Ser). This variant is present in population databases (rs754874101, gnomAD 0.01%). This variant has not been reported in the literature in individuals affected with CEP78-related conditions. ClinVar contains an entry for this variant (Variation ID: 1004904). Algorithms developed to predict the effect of missense changes on protein structure and function are either unavailable or do not agree on the potential impact of this missense change (SIFT: "Tolerated"; PolyPhen-2: "Probably Damaging"; Align-GVGD: "Class C0"). In summary, the available evidence is currently insufficient to determine the role of this variant in disease. Therefore, it has been classified as a Variant of Uncertain Significance.

NM_001330691.3(CEP78):c.194A>G (p.Asn65Ser)

Gene: CEP78 (centrosomal protein 78; plus strand). Cytogenetic location: 9q21.2.
Variant type: single nucleotide variant.
Coding change: c.194A>G on transcript NM_001330691.3 (MANE Select); coding-DNA position 194, A replaced by G.
Protein change: p.Asn65Ser; replaces asparagine 65 with serine.
Molecular consequence: missense variant.
Genome position (GRCh38, 1-based): chr9:78,236,544, A>G. VCF-style: chr9-78236544-A-G. GRCh37 (hg19) VCF-style: chr9-80851460-A-G.
Other names: c.194A>G, p.Asn65Ser (NM_001098802.3, NM_001330693.3, NM_001330694.2 and 4 more transcripts); short protein forms N65S.
Identifiers: ClinVar variation 1004904 (VCV001004904.6), dbSNP rs754874101, ClinGen allele CA5094833.
Genomic context (GRCh38, chr9:78,236,544, plus strand): 5'-TCAACGCCGACCGCCTCCGCGGGGTGGACTGGGCGCCTCTGCTGAGCACCCTCAAGATCA[A>G]TAAAGACCTGCCCTTGGTCTCCATCAAGAGCTTCTTCCAGCCCTGGCTGGGGGACACAGG-3'
Protein context (NP_001317620.1, residues 55-75): WAPLLSTLKI[Asn65Ser]KDLPLVSIKS